The following is an entry in ClinVar:

NM_001009944.3(PKD1):c.10477G>T (p.Glu3493Ter)

Gene: PKD1 (polycystin 1, transient receptor potential channel interacting; minus strand). Cytogenetic location: 16p13.3.
Variant type: single nucleotide variant.
Coding change: c.10477G>T on transcript NM_001009944.3 (MANE Select); coding-DNA position 10477, G replaced by T.
Protein change: p.Glu3493Ter; replaces glutamic acid 3493 with a stop codon.
Molecular consequence: nonsense.
Genome position (GRCh38, 1-based): chr16:2,097,170, C>A on the plus strand (G>T on the coding strand, the complement: PKD1 is on the minus strand). VCF-style: chr16-2097170-C-A. GRCh37 (hg19) VCF-style: chr16-2147171-C-A.
Other names: c.10474G>T, p.Glu3492Ter (NM_000296.4); short protein forms E3493*, E3492*.
Identifiers: ClinVar variation 4994300 (VCV004994300.1).

ClinVar aggregate classification (germline): Likely pathogenic (1 of 4 stars; one submission).

Conditions:
PKD1-related disorder. Also called: PKD1-related condition.

Submission:

PreventionGenetics, part of Exact Sciences
Classification: Likely pathogenic for PKD1-related condition. Last evaluated: 2026-07-23. Review status: criteria provided, single submitter. Criteria: ACMG Guidelines, 2015. Collection method: clinical testing. Allele origin: germline.
Comment: The PKD1 c.10477G>T variant is predicted to result in premature protein termination (p.Glu3493*). To our knowledge, this variant has not been reported in the literature or in a large population database (gnomAD), indicating this variant is rare. Nonsense variants in PKD1 are expected to be pathogenic. This variant is interpreted as likely pathogenic.